The following is an entry in ClinVar:

ClinVar aggregate classification (germline): Uncertain significance (1 of 4 stars; one submission).

Conditions:
Rhabdoid tumor predisposition syndrome 2 (RTPS2). Identifiers: Orphanet 231108, Orphanet 69077, MedGen C2750074, MONDO:0013224, OMIM 613325.

Submission:

Labcorp Genetics (formerly Invitae), Labcorp
Classification: Uncertain significance for Rhabdoid tumor predisposition syndrome 2. Last evaluated: 2020-11-23. Review status: criteria provided, single submitter. Criteria: Invitae Variant Classification Sherloc (09022015). Collection method: clinical testing. Allele origin: germline.
Comment: In summary, the available evidence is currently insufficient to determine the role of this variant in disease. Therefore, it has been classified as a Variant of Uncertain Significance. Algorithms developed to predict the effect of missense changes on protein structure and function are either unavailable or do not agree on the potential impact of this missense change (SIFT: "Deleterious"; PolyPhen-2: "Benign"; Align-GVGD: "Class C0"). This variant has not been reported in the literature in individuals with SMARCA4-related conditions. This variant is not present in population databases (ExAC no frequency). This sequence change replaces threonine with serine at codon 1032 of the SMARCA4 protein (p.Thr1032Ser). The threonine residue is highly conserved and there is a small physicochemical difference between threonine and serine.

NM_003072.5(SMARCA4):c.3095C>G (p.Thr1032Ser)

Gene: SMARCA4 (SWI/SNF related BAF chromatin remodeling complex subunit ATPase 4; plus strand). Cytogenetic location: 19p13.2.
Variant type: single nucleotide variant.
Coding change: c.3095C>G on transcript NM_003072.5 (MANE Select); coding-DNA position 3095, C replaced by G.
Protein change: p.Thr1032Ser; replaces threonine 1032 with serine.
Molecular consequence: missense variant. On other transcripts: non-coding transcript variant (1).
Genome position (GRCh38, 1-based): chr19:11,025,435, C>G. VCF-style: chr19-11025435-C-G. GRCh37 (hg19) VCF-style: chr19-11136111-C-G.
Other names: c.3095C>G, p.Thr1032Ser (NM_001128844.3, NM_001128845.2, NM_001128846.2 and 5 more transcripts); short protein forms T1032S.
Identifiers: ClinVar variation 1487870 (VCV001487870.8), dbSNP rs2146496372, ClinGen allele CA404059157.